The following is an entry in ClinVar:

NM_000088.4(COL1A1):c.1861C>A (p.Pro621Thr)

Gene: COL1A1 (collagen type I alpha 1 chain; minus strand). Cytogenetic location: 17q21.33.
Variant type: single nucleotide variant.
Coding change: c.1861C>A on transcript NM_000088.4 (MANE Select); coding-DNA position 1861, C replaced by A.
Protein change: p.Pro621Thr; replaces proline 621 with threonine.
Molecular consequence: missense variant.
Genome position (GRCh38, 1-based): chr17:50,192,811, G>T on the plus strand (C>A on the coding strand, the complement: COL1A1 is on the minus strand). VCF-style: chr17-50192811-G-T. GRCh37 (hg19) VCF-style: chr17-48270172-G-T.
Other names: p.Pro621Thr; short protein forms P621T.
Identifiers: ClinVar variation 1037875 (VCV001037875.14), dbSNP rs764186905, ClinGen allele CA8645057.
Genomic context (GRCh38, chr17:50,192,811, plus strand): 5'-GTCTCCCCTTTTCTGCTCCCCAGATCTCCCCATCAGGGACACTCACAGCAGGGCCAGGGG[G>T]TCCCTGAGCTCCAGCCTCTCCATCTTTGCCAGCAGGACCCTGCAGGGAGAGAGCAAAGGG-3'
Protein context (NP_000079.2, residues 611-631): GKDGEAGAQG[Pro621Thr]PGPAGPAGER

ClinVar aggregate classification (germline): Conflicting classifications of pathogenicity. Review status: criteria provided, conflicting classifications (1 of 4 stars). 3 submissions from 3 submitters: Uncertain significance (1); Likely benign (2). Last evaluated 2025-05-01.

Conditions:
Osteogenesis imperfecta type I (OI1). Also called: OI, TYPE I; OSTEOGENESIS IMPERFECTA TARDA; OSTEOGENESIS IMPERFECTA WITH BLUE SCLERAE; Osteogenesis imperfecta type 1; Lobstein's Disease; Lobstein disease. Identifiers: Orphanet 216796, Orphanet 666, MedGen C0023931, MONDO:0008146, OMIM 166200. Disease mechanism: loss of function.

Allele frequency attached by ClinVar (database versions not stated): ExAC 0.00002; gnomAD exomes 0.00002; TOPMed 0.00002.
gnomAD v4.1: 63 of 1,614,070 alleles (0.0039%); highest among the groups gnomAD compares: Middle Eastern, 0.033%; 1 homozygote.

Submissions (3):

Labcorp Genetics (formerly Invitae), Labcorp
Classification: Likely benign for Osteogenesis imperfecta type I. Last evaluated: 2025-05-01. Review status: criteria provided, single submitter. Criteria: Invitae Variant Classification Sherloc (09022015). Collection method: clinical testing. Allele origin: germline.

Women's Health and Genetics/Laboratory Corporation of America, LabCorp
Classification: Likely benign. Last evaluated: 2025-03-18. Review status: criteria provided, single submitter. Criteria: LabCorp Variant Classification Summary - May 2015. Collection method: clinical testing. Allele origin: germline.
Comment: Variant summary: COL1A1 c.1861C>A (p.Pro621Thr) results in a non-conservative amino acid change in the encoded protein sequence. Four of five in-silico tools predict a damaging effect of the variant on protein function. The variant allele was found at a frequency of 3.9e-05 in 1614070 control chromosomes in the gnomAD database, including 1 homozygote. The observed variant frequency is approximately 1.3 fold of the estimated maximal expected allele frequency for a pathogenic variant in COL1A1 causing Osteogenesis imperfecta type I phenotype (3e-05). c.1861C>A has been reported in the literature in individuals affected with Osteogenesis imperfecta type I (Iyer_2022). This report does not provide unequivocal conclusions about association of the variant with Osteogenesis imperfecta type I. To our knowledge, no experimental evidence demonstrating an impact on protein function has been reported. The following publication has been ascertained in the context of this evaluation (PMID: 35123515). ClinVar contains an entry for this variant (Variation ID: 1037875). Based on the evidence outlined above, the variant was classified as likely benign.

Mayo Clinic Laboratories, Mayo Clinic
Classification: Uncertain significance. Last evaluated: 2021-11-17. Review status: criteria provided, single submitter. Criteria: ACMG Guidelines, 2015. Collection method: clinical testing. Allele origin: germline.

Literature cited by the submitters: PubMed 35123515 (cited by Women's Health and Genetics/Laboratory Corporation of America, LabCorp).